The following is an entry in ClinVar:

ClinVar aggregate classification (germline): Uncertain significance. Review status: criteria provided, multiple submitters, no conflicts (2 of 4 stars). 2 submissions from 2 submitters: Uncertain significance (2). Last evaluated 2024-11-02.

Conditions:
Hereditary cancer-predisposing syndrome. Also called: Hereditary Cancer Syndrome; Hereditary neoplastic syndrome; Neoplastic Syndromes, Hereditary; Tumor predisposition. Identifiers: Orphanet 140162, MedGen C0027672, MeSH D009386, MONDO:0015356.

gnomAD v4.1: 5 of 1,614,146 alleles (0.00031%); highest among the groups gnomAD compares: South Asian, 0.0044%; no homozygotes.

Submissions (2):

Labcorp Genetics (formerly Invitae), Labcorp
Classification: Uncertain significance. Last evaluated: 2024-11-02. Review status: criteria provided, single submitter. Criteria: Invitae Variant Classification Sherloc (09022015). Collection method: clinical testing. Allele origin: germline.
Comment: This sequence change replaces valine, which is neutral and non-polar, with phenylalanine, which is neutral and non-polar, at codon 351 of the POLE protein (p.Val351Phe). This variant is present in population databases (rs759414746, gnomAD 0.003%). This variant has not been reported in the literature in individuals affected with POLE-related conditions. ClinVar contains an entry for this variant (Variation ID: 405870). Invitae Evidence Modeling of protein sequence and biophysical properties (such as structural, functional, and spatial information, amino acid conservation, physicochemical variation, residue mobility, and thermodynamic stability) indicates that this missense variant is not expected to disrupt POLE protein function with a negative predictive value of 80%. Algorithms developed to predict the effect of sequence changes on RNA splicing suggest that this variant may create or strengthen a splice site. In summary, the available evidence is currently insufficient to determine the role of this variant in disease. Therefore, it has been classified as a Variant of Uncertain Significance.

Ambry Genetics
Classification: Uncertain significance for Hereditary cancer-predisposing syndrome. Last evaluated: 2024-04-08. Review status: criteria provided, single submitter. Criteria: Ambry Variant Classification Scheme 2023. Collection method: clinical testing. Allele origin: germline.
Comment: The p.V351F variant (also known as c.1051G>T), located in coding exon 11 of the POLE gene, results from a G to T substitution at nucleotide position 1051. The valine at codon 351 is replaced by phenylalanine, an amino acid with highly similar properties. This amino acid position is not well conserved in available vertebrate species. In addition, this alteration is predicted to be tolerated by in silico analysis. Based on the available evidence, the clinical significance of this variant remains unclear.

NM_006231.4(POLE):c.1051G>T (p.Val351Phe)

Gene: POLE (DNA polymerase epsilon, catalytic subunit; minus strand). Cytogenetic location: 12q24.33.
Variant type: single nucleotide variant.
Coding change: c.1051G>T on transcript NM_006231.4 (MANE Select); coding-DNA position 1051, G replaced by T.
Protein change: p.Val351Phe; replaces valine 351 with phenylalanine.
Molecular consequence: missense variant.
Genome position (GRCh38, 1-based): chr12:132,675,790, C>A on the plus strand (G>T on the coding strand, the complement: POLE is on the minus strand). VCF-style: chr12-132675790-C-A. GRCh37 (hg19) VCF-style: chr12-133252376-C-A.
Other names: c.1051G>T (NM_006231.2); short protein forms V351F.
Identifiers: ClinVar variation 405870 (VCV000405870.9), dbSNP rs759414746, ClinGen allele CA6894098.